The following is an entry in ClinVar:

NM_000245.4(MET):c.2737C>A (p.Gln913Lys)

Gene: MET (MET proto-oncogene, receptor tyrosine kinase; plus strand). Cytogenetic location: 7q31.2.
Variant type: single nucleotide variant.
Coding change: c.2737C>A on transcript NM_000245.4 (MANE Select); coding-DNA position 2737, C replaced by A.
Protein change: p.Gln913Lys; replaces glutamine 913 with lysine.
Molecular consequence: missense variant.
Genome position (GRCh38, 1-based): chr7:116,771,504, C>A. VCF-style: chr7-116771504-C-A. GRCh37 (hg19) VCF-style: chr7-116411558-C-A.
Other names: c.2791C>A (NM_001127500.1); c.2791C>A, p.Gln931Lys (NM_001127500.3); c.1447C>A, p.Gln483Lys (NM_001324402.2); short protein forms Q483K, Q913K, Q931K.
Identifiers: ClinVar variation 1009184 (VCV001009184.9), dbSNP rs1794830159, ClinGen allele CA368986230.

ClinVar aggregate classification (germline): Uncertain significance. Review status: criteria provided, multiple submitters, no conflicts (2 of 4 stars). 2 submissions from 2 submitters: Uncertain significance (2). Last evaluated 2024-12-12.

Conditions:
Renal cell carcinoma. Identifiers: Orphanet 217071, MedGen C0007134, MeSH D002292, MONDO:0005086, HP:0005584.
Hereditary cancer-predisposing syndrome. Also called: Tumor predisposition; Hereditary neoplastic syndrome; Neoplastic Syndromes, Hereditary; Hereditary Cancer Syndrome. Identifiers: Orphanet 140162, MedGen C0027672, MeSH D009386, MONDO:0015356.

Submissions (2):

Ambry Genetics
Classification: Uncertain significance for Hereditary cancer-predisposing syndrome. Last evaluated: 2024-12-12. Review status: criteria provided, single submitter. Criteria: Ambry Variant Classification Scheme 2023. Collection method: clinical testing. Allele origin: germline.
Comment: The p.Q931K variant (also known as c.2791C>A), located in coding exon 12 of the MET gene, results from a C to A substitution at nucleotide position 2791. The glutamine at codon 931 is replaced by lysine, an amino acid with similar properties. This amino acid position is conserved. In addition, this alteration is predicted to be tolerated by in silico analysis. Based on the available evidence, the clinical significance of this variant remains unclear.

Labcorp Genetics (formerly Invitae), Labcorp
Classification: Uncertain significance for Renal cell carcinoma. Last evaluated: 2023-12-22. Review status: criteria provided, single submitter. Criteria: Invitae Variant Classification Sherloc (09022015). Collection method: clinical testing. Allele origin: germline.
Comment: This sequence change replaces glutamine, which is neutral and polar, with lysine, which is basic and polar, at codon 931 of the MET protein (p.Gln931Lys). This variant is not present in population databases (gnomAD no frequency). This variant has not been reported in the literature in individuals affected with MET-related conditions. ClinVar contains an entry for this variant (Variation ID: 1009184). An algorithm developed to predict the effect of missense changes on protein structure and function (PolyPhen-2) suggests that this variant is likely to be disruptive. In summary, the available evidence is currently insufficient to determine the role of this variant in disease. Therefore, it has been classified as a Variant of Uncertain Significance.